The following is an entry in ClinVar:

NM_000257.4(MYH7):c.1956+1G>C

Gene: MYH7 (myosin heavy chain 7; minus strand). Cytogenetic location: 14q11.2.
Variant type: single nucleotide variant.
Coding change: c.1956+1G>C on transcript NM_000257.4 (MANE Select); the canonical splice donor site of the intron after coding-DNA position 1956, G replaced by C.
Molecular consequence: splice donor variant.
Genome position (GRCh38, 1-based): chr14:23,427,239, C>G on the plus strand (G>C on the coding strand, the complement: MYH7 is on the minus strand). VCF-style: chr14-23427239-C-G. GRCh37 (hg19) VCF-style: chr14-23896448-C-G.
Other names: c.1956+1G>C (NM_001407004.1).
Identifiers: ClinVar variation 524983 (VCV000524983.9), dbSNP rs1555338074, ClinGen allele CA389049455.
Genomic context (GRCh38, chr14:23,427,239, plus strand): 5'-TGGGGCTGGGTGGGGTTGGGCAGATGGGGAGCCAAGTTGGCTGGGGCTGTGTCCCACTCA[C>G]CCTGTGCAGAGCTGACACAGTCTGAAAGGACGAGCCTTTCTTGGCCTTGCCTTTGCCCTT-3'

ClinVar aggregate classification (germline): Uncertain significance (1 of 4 stars; one submission).

Conditions:
Hypertrophic cardiomyopathy. Also called: HYPERTROPHIC MYOCARDIOPATHY. Identifiers: Orphanet 217569, MedGen C0007194, MeSH D002312, MONDO:0005045, HP:0001639.

Submission:

Labcorp Genetics (formerly Invitae), Labcorp
Classification: Uncertain significance for Hypertrophic cardiomyopathy. Last evaluated: 2019-05-04. Review status: criteria provided, single submitter. Criteria: Invitae Variant Classification Sherloc (09022015). Collection method: clinical testing. Allele origin: germline.
Comment: This sequence change affects a donor splice site in intron 17 of the MYH7 gene. It is expected to disrupt RNA splicing and likely results in an absent or disrupted protein product. This variant is not present in population databases (ExAC no frequency). This variant has not been reported in the literature in individuals with MYH7-related disease. Algorithms developed to predict the effect of sequence changes on RNA splicing suggest that this variant may disrupt the consensus splice site, but this prediction has not been confirmed by published transcriptional studies. The current clinical and genetic evidence is not sufficient to establish whether loss-of-function variants in MYH7 cause disease. In summary, the available evidence is currently insufficient to determine the role of this variant in disease. Therefore, it has been classified as a Variant of Uncertain Significance.